The following is an entry in ClinVar:

ClinVar aggregate classification (germline): Uncertain significance (1 of 4 stars; one submission).

Conditions:
Hepatic veno-occlusive disease-immunodeficiency syndrome. Also called: Hepatic Veno-Occlusive Disease with Immunodeficiency. Identifiers: Orphanet 79124, MedGen C1856128, MONDO:0009338, OMIM 235550. Disease mechanism: loss of function.

Submission:

Labcorp Genetics (formerly Invitae), Labcorp
Classification: Uncertain significance for Hepatic veno-occlusive disease-immunodeficiency syndrome. Last evaluated: 2018-06-13. Review status: criteria provided, single submitter. Criteria: Invitae Variant Classification Sherloc (09022015). Collection method: clinical testing. Allele origin: germline.
Comment: This sequence change replaces serine with tyrosine at codon 364 of the SP110 protein (p.Ser364Tyr). The serine residue is weakly conserved and there is a large physicochemical difference between serine and tyrosine. This variant is reported as two separate single-nucleotide changes in population databases (c.1091C>A, ExAC < 0.01% and c.1092C>T, ExAC < 0.01%). However, in the read data for 3 individuals displayed in the ExAC browser, these two variants are in cis. This recapitulates the variant observed here (c.1091_1092delCCinsAT) and indicates that this variant is very likely present in the population databases at < 0.01%. This variant has not been reported in the literature in individuals with SP110-related disease. Algorithms developed to predict the effect of missense changes on protein structure and function (SIFT, PolyPhen-2, Align-GVGD) all suggest that this variant is likely to be tolerated, but these predictions have not been confirmed by published functional studies and their clinical significance is uncertain. Algorithms developed to predict the effect of sequence changes on RNA splicing suggest that this variant may create or strengthen a splice site, but this prediction has not been confirmed by published transcriptional studies. In summary, the available evidence is currently insufficient to determine the role of this variant in disease. Therefore, it has been classified as a Variant of Uncertain Significance.

NM_080424.4(SP110):c.1091_1092delinsAT (p.Ser364Tyr)

Genes: SP110 (SP110 nuclear body protein; minus strand), SP140 (SP140 nuclear body protein; plus strand). Cytogenetic location: 2q37.1.
Variant type: Indel.
Coding change: c.1091_1092delinsAT on transcript NM_080424.4 (MANE Select); coding-DNA positions 1091 to 1092, CC replaced by AT.
Protein change: p.Ser364Tyr; replaces serine 364 with tyrosine.
Molecular consequence: missense variant.
Genome position (GRCh38, 1-based): chr2:230,200,922-230,200,923, GG replaced by AT on the plus strand (CC replaced by AT on the coding strand, the reverse complement: SP110 is on the minus strand). VCF-style: chr2-230200922-GG-AT. GRCh37 (hg19) VCF-style: chr2-231065638-GG-AT.
Other names: c.1109_1110delinsAT, p.Ser370Tyr (NM_001185015.2, NM_001378442.1, NM_001378444.1 and 2 more transcripts); c.1091_1092delinsAT, p.Ser364Tyr (NM_001378443.1, NM_004509.5, NM_004510.4); c.941_942delinsAT, p.Ser314Tyr (NM_001378447.1); short protein forms S370Y, S364Y, S314Y.
Identifiers: ClinVar variation 573230 (VCV000573230.7), dbSNP rs1559162086, ClinGen allele CA891843384.